The following is an entry in ClinVar:

NM_004304.5(ALK):c.260C>T (p.Ala87Val)

Gene: ALK (ALK receptor tyrosine kinase; minus strand). Cytogenetic location: 2p23.1.
Variant type: single nucleotide variant.
Coding change: c.260C>T on transcript NM_004304.5 (MANE Select); coding-DNA position 260, C replaced by T.
Protein change: p.Ala87Val; replaces alanine 87 with valine.
Molecular consequence: missense variant.
Genome position (GRCh38, 1-based): chr2:29,920,400, G>A on the plus strand (C>T on the coding strand, the complement: ALK is on the minus strand). VCF-style: chr2-29920400-G-A. GRCh37 (hg19) VCF-style: chr2-30143266-G-A.
Other names: c.260C>T (NM_004304.4); short protein forms A87V.
Identifiers: ClinVar variation 2197987 (VCV002197987.5), dbSNP rs2148443609, ClinGen allele CA346590379.
Genomic context (GRCh38, chr2:29,920,400, plus strand): 5'-CCCGGCGCCGGCCCCAGCAACCTGAGCAGCGGGGCGCAGTCCAGAGCTAGCGAGCCGCGG[G>A]CCTCGGGCCTGCCAGCCTTCAGCTCCGAGGAGGATGGTGGCAGCAGTAGGTCCCGGGCGT-3'
Protein context (NP_004295.2, residues 77-97): SSELKAGRPE[Ala87Val]RGSLALDCAP

ClinVar aggregate classification (germline): Uncertain significance. Review status: criteria provided, multiple submitters, no conflicts (2 of 4 stars). 2 submissions from 2 submitters: Uncertain significance (2). Last evaluated 2025-03-24.

Conditions:
Hereditary cancer-predisposing syndrome. Also called: Neoplastic Syndromes, Hereditary; Tumor predisposition; Hereditary neoplastic syndrome; Hereditary Cancer Syndrome. Identifiers: Orphanet 140162, MedGen C0027672, MeSH D009386, MONDO:0015356.
Neuroblastoma, susceptibility to, 3. Also called: ALK-Related Neuroblastic Tumor Susceptibility. Identifiers: Orphanet 635, MedGen C2751681, MONDO:0013083, OMIM 613014.

Submissions (2):

Ambry Genetics
Classification: Uncertain significance for Hereditary cancer-predisposing syndrome. Last evaluated: 2025-03-24. Review status: criteria provided, single submitter. Criteria: Ambry Variant Classification Scheme 2023. Collection method: clinical testing. Allele origin: germline.
Comment: The p.A87V variant (also known as c.260C>T), located in coding exon 1 of the ALK gene, results from a C to T substitution at nucleotide position 260. The alanine at codon 87 is replaced by valine, an amino acid with similar properties. This amino acid position is conserved. In addition, this alteration is predicted to be tolerated by in silico analysis. Based on the available evidence, the clinical significance of this variant remains unclear.

Labcorp Genetics (formerly Invitae), Labcorp
Classification: Uncertain significance for Neuroblastoma, susceptibility to, 3. Last evaluated: 2022-08-08. Review status: criteria provided, single submitter. Criteria: Invitae Variant Classification Sherloc (09022015). Collection method: clinical testing. Allele origin: germline.
Comment: In summary, the available evidence is currently insufficient to determine the role of this variant in disease. Therefore, it has been classified as a Variant of Uncertain Significance. Algorithms developed to predict the effect of missense changes on protein structure and function are either unavailable or do not agree on the potential impact of this missense change (SIFT: "Deleterious"; PolyPhen-2: "Benign"; Align-GVGD: "Class C0"). This variant has not been reported in the literature in individuals affected with ALK-related conditions. This variant is not present in population databases (gnomAD no frequency). This sequence change replaces alanine, which is neutral and non-polar, with valine, which is neutral and non-polar, at codon 87 of the ALK protein (p.Ala87Val).